The following is an entry in ClinVar:

ClinVar aggregate classification (germline): Uncertain significance. Review status: criteria provided, multiple submitters, no conflicts (2 of 4 stars). 3 submissions from 3 submitters: Uncertain significance (3). Last evaluated 2025-08-14.

Conditions:
Inborn genetic diseases. Identifiers: MedGen C0950123, MeSH D030342.
Epidermolysis bullosa simplex 5C, with pyloric atresia (EBS5C). Also called: PLEC1-Related Epidermolysis Bullosa with Pyloric Atresia; PLEC-Related Epidermolysis Bullosa with Pyloric Atresia; Epidermolysis bullosa simplex with pyloric atresia. Identifiers: Orphanet 158684, MedGen C2677349, MONDO:0012807, OMIM 612138.
Epidermolysis bullosa simplex with nail dystrophy (EBS5D). Identifiers: MedGen C4225309, MONDO:0014661, OMIM 616487.
Autosomal recessive limb-girdle muscular dystrophy type 2Q (LGMDR17). Also called: MUSCULAR DYSTROPHY, LIMB-GIRDLE, AUTOSOMAL RECESSIVE 17. Identifiers: Orphanet 254361, MedGen C3150989, MONDO:0013390, OMIM 613723.
Epidermolysis bullosa simplex 5B, with muscular dystrophy (EBS5B). Also called: Epidermolysis bullosa simplex with muscular dystrophy; EPIDERMOLYSIS BULLOSA SIMPLEX AND LIMB-GIRDLE MUSCULAR DYSTROPHY. Identifiers: Orphanet 257, MedGen C2931072, MONDO:0009181, OMIM 226670.
Epidermolysis bullosa simplex, Ogna type (EBS5A). Also called: Pidermolysis bullosa simplex 5A, Ogna type; EPIDERMOLYSIS BULLOSA SIMPLEX 5A, OGNA TYPE. Identifiers: Orphanet 79401, MedGen C0432317, MONDO:0007555, OMIM 131950.

Allele frequency attached by ClinVar (database versions not stated): TOPMed below 0.00001; gnomAD exomes 0.00004 and 0.00008; gnomAD 0.00005 and 0.00007; ExAC 0.00007; 1000 Genomes Project 30x 0.00078; 1000 Genomes Project 0.00080.
gnomAD v4.1: 61 of 1,613,590 alleles (0.0038%); highest among the groups gnomAD compares: Admixed American, 0.027%; no homozygotes.

Submissions (3):

Ambry Genetics
Classification: Uncertain significance for Inborn genetic diseases. Last evaluated: 2025-08-14. Review status: criteria provided, single submitter. Criteria: Ambry Variant Classification Scheme 2023. Collection method: clinical testing. Allele origin: germline.

Labcorp Genetics (formerly Invitae), Labcorp
Classification: Uncertain significance for Autosomal recessive limb-girdle muscular dystrophy type 2Q; Epidermolysis bullosa simplex, Ogna type; Epidermolysis bullosa simplex with nail dystrophy; Epidermolysis bullosa simplex 5C, with pyloric atresia; Epidermolysis bullosa simplex 5B, with muscular dystrophy. Last evaluated: 2024-05-12. Review status: criteria provided, single submitter. Criteria: Invitae Variant Classification Sherloc (09022015). Collection method: clinical testing. Allele origin: germline.
Comment: This sequence change replaces arginine, which is basic and polar, with glutamine, which is neutral and polar, at codon 4153 of the PLEC protein (p.Arg4153Gln). This variant is present in population databases (rs192468687, gnomAD 0.06%). This variant has not been reported in the literature in individuals affected with PLEC-related conditions. ClinVar contains an entry for this variant (Variation ID: 579459). Advanced modeling of protein sequence and biophysical properties (such as structural, functional, and spatial information, amino acid conservation, physicochemical variation, residue mobility, and thermodynamic stability) has been performed at Invitae for this missense variant, however the output from this modeling did not meet the statistical confidence thresholds required to predict the impact of this variant on PLEC protein function. In summary, the available evidence is currently insufficient to determine the role of this variant in disease. Therefore, it has been classified as a Variant of Uncertain Significance.

Revvity Omics, Revvity
Classification: Uncertain significance. Last evaluated: 2023-10-19. Review status: criteria provided, single submitter. Criteria: ACMG Guidelines, 2015. Collection method: clinical testing. Allele origin: germline.

NM_201384.3(PLEC):c.12377G>A (p.Arg4126Gln)

Gene: PLEC (plectin; minus strand). Cytogenetic location: 8q24.3.
Variant type: single nucleotide variant.
Coding change: c.12377G>A on transcript NM_201384.3 (MANE Select); coding-DNA position 12377, G replaced by A.
Protein change: p.Arg4126Gln; replaces arginine 4126 with glutamine.
Molecular consequence: missense variant.
Genome position (GRCh38, 1-based): chr8:143,917,444, C>T on the plus strand (G>A on the coding strand, the complement: PLEC is on the minus strand). VCF-style: chr8-143917444-C-T. GRCh37 (hg19) VCF-style: chr8-144991612-C-T.
Other names: c.12458G>A, p.Arg4153Gln (NM_000445.5); c.12335G>A, p.Arg4112Gln (NM_201378.4); c.12311G>A, p.Arg4104Gln (NM_201379.3); c.12788G>A, p.Arg4263Gln (NM_201380.4); c.12281G>A, p.Arg4094Gln (NM_201381.3); c.12377G>A, p.Arg4126Gln (NM_201382.4); c.12389G>A, p.Arg4130Gln (NM_201383.3); c.12458G>A (NM_000445.3); short protein forms R4094Q, R4104Q, R4112Q, R4263Q, R4126Q, R4153Q, R4130Q.
Identifiers: ClinVar variation 579459 (VCV000579459.9), dbSNP rs192468687, ClinGen allele CA4924101.
Genomic context (GRCh38, chr8:143,917,444, plus strand): 5'-GGGTCCACGATGACCACTCGGCGCTTGCGCACGGAGGACTTGGAGGACGTCTTCCGCTCC[C>T]GCTTCTTCTCCTTCAGCGGCAAGAGACACAGGCCCGTCTGGGGGTCAGTGATACAACGCT-3'
Protein context (NP_958786.1, residues 4116-4136): LCLLPLKEKK[Arg4126Gln]ERKTSSKSSV